The following is an entry in ClinVar:

ClinVar aggregate classification (germline): Pathogenic (1 of 4 stars; one submission).

Submission:

Labcorp Genetics (formerly Invitae), Labcorp
Classification: Pathogenic. Last evaluated: 2024-01-26. Review status: criteria provided, single submitter. Criteria: Invitae Variant Classification Sherloc (09022015). Collection method: clinical testing. Allele origin: germline.
Comment: This sequence change creates a premature translational stop signal (p.Ser247Valfs*75) in the PEPD gene. It is expected to result in an absent or disrupted protein product. Loss-of-function variants in PEPD are known to be pathogenic (PMID: 8198124, 10721675, 12384772, 17142620). This variant is not present in population databases (gnomAD no frequency). This variant has not been reported in the literature in individuals affected with PEPD-related conditions. For these reasons, this variant has been classified as Pathogenic.

Literature cited by the submitters: PubMed 8198124; PubMed 10721675; PubMed 12384772; PubMed 17142620.

NM_000285.4(PEPD):c.738_739insGT (p.Ser247fs)

Gene: PEPD (peptidase D; minus strand). Cytogenetic location: 19q13.11.
Variant type: Insertion.
Coding change: c.738_739insGT on transcript NM_000285.4 (MANE Select); coding-DNA positions 738 to 739, GT inserted.
Protein change: p.Ser247fs; shifts the reading frame from serine 247.
Molecular consequence: frameshift variant.
Genome position: GRCh38 VCF-style: chr19-33413576-T-TAC. GRCh37 (hg19) VCF-style: chr19-33904482-T-TAC.
Other names: c.615_616insGT, p.Ser206fs (NM_001166056.2); c.546_547insGT, p.Ser183fs (NM_001166057.2); short protein forms S247fs, S183fs, S206fs.
Identifiers: ClinVar variation 2841577 (VCV002841577.3), dbSNP rs2513412559, ClinGen allele CA2529271996.